The following is an entry in ClinVar:

NM_001374736.1(DST):c.19168G>A (p.Asp6390Asn)

Gene: DST (dystonin; minus strand). Cytogenetic location: 6p12.1.
Variant type: single nucleotide variant.
Coding change: c.19168G>A on transcript NM_001374736.1 (MANE Select); coding-DNA position 19168, G replaced by A.
Protein change: p.Asp6390Asn; replaces aspartic acid 6390 with asparagine.
Molecular consequence: missense variant.
Genome position (GRCh38, 1-based): chr6:56,508,600, C>T on the plus strand (G>A on the coding strand, the complement: DST is on the minus strand). VCF-style: chr6-56508600-C-T. GRCh37 (hg19) VCF-style: chr6-56373398-C-T.
Other names: c.12811G>A, p.Asp4271Asn (NM_001144769.5); c.12397G>A, p.Asp4133Asn (NM_001144770.2); c.19168G>A, p.Asp6390Asn (NM_001374722.1); c.18208G>A, p.Asp6070Asn (NM_001374729.1); c.11950G>A, p.Asp3984Asn (NM_001374730.1); c.19195G>A, p.Asp6399Asn (NM_001374734.1); c.12277G>A, p.Asp4093Asn (NM_001386100.1, NM_183380.4); c.11299G>A, p.Asp3767Asn (NM_015548.5); short protein forms D3767N, D4093N, D4271N, D6070N, D4133N, D6390N, D3984N, D6399N.
Identifiers: ClinVar variation 2079235 (VCV002079235.4), dbSNP rs1562449304, ClinGen allele CA364523473.

ClinVar aggregate classification (germline): Uncertain significance (1 of 4 stars; one submission).

Conditions:
Hereditary sensory and autonomic neuropathy type 6. Also called: Neuropathy, hereditary sensory and autonomic, type VI; HSAN VI. Identifiers: Orphanet 314381, MedGen C3539003, MONDO:0013839, OMIM 614653.
Epidermolysis bullosa simplex 3, localized or generalized intermediate, with BP230 deficiency (EBS3). Also called: Epidermolysis bullosa simplex due to BP230 deficiency; Epidermolysis bullosa simplex, autosomal recessive 2. Identifiers: Orphanet 412181, MedGen C3809470, MONDO:0014180, OMIM 615425.

Allele frequency attached by ClinVar (database versions not stated): gnomAD exomes below 0.00001.
gnomAD v4.1: 1 of 1,613,864 alleles (0.000062%); highest among the groups gnomAD compares: Admixed American, 0.0017%; no homozygotes.

Submission:

Labcorp Genetics (formerly Invitae), Labcorp
Classification: Uncertain significance for Epidermolysis bullosa simplex 3, localized or generalized intermediate, with BP230 deficiency; Hereditary sensory and autonomic neuropathy type 6. Last evaluated: 2023-01-24. Review status: criteria provided, single submitter. Criteria: Invitae Variant Classification Sherloc (09022015). Collection method: clinical testing. Allele origin: germline.
Comment: In summary, the available evidence is currently insufficient to determine the role of this variant in disease. Therefore, it has been classified as a Variant of Uncertain Significance. Experimental studies and prediction algorithms are not available or were not evaluated, and the functional significance of this variant is currently unknown. This variant has not been reported in the literature in individuals affected with DST-related conditions. This variant is present in population databases (no rsID available, gnomAD 0.003%). This sequence change replaces aspartic acid, which is acidic and polar, with asparagine, which is neutral and polar, at codon 3767 of the DST protein (p.Asp3767Asn). The DST gene has multiple clinically relevant transcripts. This variant occurs in alternate transcript NM_0015548.4, and corresponds to NM_001723.5:c.*106917G>A in the primary transcript.